The following is an entry in ClinVar:

NC_000007.14:g.156268805G>A

Genes: SBE2 (SHH brain enhancer 2; plus strand), SHH (sonic hedgehog signaling molecule; minus strand). Cytogenetic location: 7q36.3.
Variant type: single nucleotide variant.
Genome position: GRCh38 VCF-style: chr7-156268805-G-A. GRCh37 (hg19) VCF-style: chr7-156061499-G-A.
Identifiers: ClinVar variation 3350965 (VCV003350965.3).
Genomic context (GRCh38, chr7:156,268,805, plus strand): 5'-ATGACTCAGGCACAGAAGAAAAGCCAAAAGCAGGCATCAGATGAAGGAAAAACTCAAGTA[G>A]GCCGAACTCATTTTCCACACACAGAGAGATAATTGGCACTGCGGCGATTTTGGAGAGCTG-3'

ClinVar aggregate classification (germline): Likely benign. Review status: criteria provided, multiple submitters, no conflicts (2 of 4 stars). 2 submissions from 2 submitters: Likely benign (2). Last evaluated 2024-11-11.

Conditions:
SHH-related disorder. Also called: SHH-related disorders; SHH-related condition.

Submissions (2):

Blueprint Genetics
Classification: Likely benign. Last evaluated: 2024-11-11. Review status: criteria provided, single submitter. Criteria: ACMG Guidelines, 2015. Collection method: clinical testing. Allele origin: germline.

PreventionGenetics, part of Exact Sciences
Classification: Likely benign for SHH-related condition. Last evaluated: 2024-10-13. Review status: criteria provided, single submitter. Criteria: ACMG Guidelines, 2015. Collection method: clinical testing. Allele origin: germline.
Comment: This variant is classified as likely benign based on ACMG/AMP sequence variant interpretation guidelines (Richards et al. 2015 PMID: 25741868, with internal and published modifications).